The following is an entry in ClinVar:

NM_000059.4(BRCA2):c.2471T>G (p.Leu824Ter)

Gene: BRCA2 (BRCA2 DNA repair associated; plus strand). Cytogenetic location: 13q13.1.
Variant type: single nucleotide variant.
Coding change: c.2471T>G on transcript NM_000059.4 (MANE Select); coding-DNA position 2471, T replaced by G.
Protein change: p.Leu824Ter; replaces leucine 824 with a stop codon.
Molecular consequence: nonsense.
Genome position (GRCh38, 1-based): chr13:32,336,826, T>G. VCF-style: chr13-32336826-T-G. GRCh37 (hg19) VCF-style: chr13-32910963-T-G.
Other names: 2699T>G; short protein forms L824*.
Identifiers: ClinVar variation 51294 (VCV000051294.20), dbSNP rs397507631, ClinGen allele CA015407.

ClinVar aggregate classification (germline): Pathogenic. Review status: reviewed by expert panel (3 of 4 stars). 8 submissions from 8 submitters: Pathogenic (1). 7 of the submissions do not count toward it. Last evaluated 2016-10-18.

Conditions:
Hereditary cancer-predisposing syndrome. Also called: Neoplastic Syndromes, Hereditary; Hereditary neoplastic syndrome; Tumor predisposition; Hereditary Cancer Syndrome. Identifiers: Orphanet 140162, MedGen C0027672, MeSH D009386, MONDO:0015356.
Hereditary breast ovarian cancer syndrome. Also called: Hereditary breast and/or ovarian cancer syndrome; Hereditary breast and ovarian cancer; Hereditary breast and ovarian cancer syndrome (HBOC); Breast and ovarian cancer; BRCA1- and BRCA2-Associated Hereditary Breast and Ovarian Cancer; Hereditary breast and ovarian cancer syndrome. Identifiers: Orphanet 145, MedGen C0677776, MeSH D061325, MONDO:0003582. Disease mechanism: loss of function.
Breast-ovarian cancer, familial, susceptibility to, 2 (BROVCA2). Also called: BRCA2 Hereditary Breast and Ovarian Cancer. Identifiers: Orphanet 145, MedGen C2675520, MONDO:0012933, OMIM 612555. Disease mechanism: loss of function.
Familial cancer of breast. Also called: Hereditary breast cancer; hereditary breast carcinoma; BREAST CANCER, FAMILIAL. Identifiers: Orphanet 227535, MedGen C0346153, MONDO:0016419, OMIM 114480. Disease mechanism: loss of function.

Submissions (8):

Evidence-based Network for the Interpretation of Germline Mutant Alleles (ENIGMA)
Classification: Pathogenic for Breast-ovarian cancer, familial, susceptibility to, 2. Last evaluated: 2016-10-18. Review status: reviewed by expert panel. Criteria: ENIGMA BRCA1/2 Classification Criteria (2015). Collection method: curation. Allele origin: germline.
Comment: Variant allele predicted to encode a truncated non-functional protein.

Ambry Genetics
Classification: Pathogenic for Hereditary cancer-predisposing syndrome. Last evaluated: 2026-04-16. Review status: criteria provided, single submitter. Criteria: Ambry Variant Classification Scheme 2023. Collection method: clinical testing. Allele origin: germline. Not counted in ClinVar's aggregate classification.
Comment: The c.2471T>G (p.L824*) alteration, located in exon 11 (coding exon 10) of the BRCA2 gene, consists of a T to G substitution at nucleotide position 2471. This changes the amino acid from a leucine (L) to a stop codon at amino acid position 824. This variant is expected to result in loss of function by premature protein truncation or nonsense-mediated mRNA decay. This variant was not reported in population-based cohorts in the Genome Aggregation Database (gnomAD). This variant was previously reported in a cohort of BRCA1/2 mutation carriers that was being studied to assess potential risk-modifying factors for BRCA1/2-associated cancers (Lecarpentier, 2012). Based on the available evidence, this alteration is classified as pathogenic.

Center for Genomic Medicine, Rigshospitalet, Copenhagen University Hospital
Classification: Pathogenic. Last evaluated: 2025-03-04. Review status: criteria provided, single submitter. Criteria: ACMG Guidelines, 2015. Collection method: clinical testing. Allele origin: germline. Not counted in ClinVar's aggregate classification.

Labcorp Genetics (formerly Invitae), Labcorp
Classification: Pathogenic for Hereditary breast ovarian cancer syndrome. Last evaluated: 2024-10-07. Review status: criteria provided, single submitter. Criteria: Invitae Variant Classification Sherloc (09022015). Collection method: clinical testing. Allele origin: germline. Not counted in ClinVar's aggregate classification.
Comment: This sequence change creates a premature translational stop signal (p.Leu824*) in the BRCA2 gene. It is expected to result in an absent or disrupted protein product. Loss-of-function variants in BRCA2 are known to be pathogenic (PMID: 20104584). This variant is not present in population databases (gnomAD no frequency). This variant has not been reported in the literature in individuals affected with BRCA2-related conditions. ClinVar contains an entry for this variant (Variation ID: 51294). For these reasons, this variant has been classified as Pathogenic.

Baylor Genetics
Classification: Pathogenic for Familial cancer of breast. Last evaluated: 2022-07-22. Review status: criteria provided, single submitter. Criteria: ACMG Guidelines, 2015. Collection method: clinical testing. Allele origin: unknown. Not counted in ClinVar's aggregate classification.

GeneDx
Classification: Pathogenic. Last evaluated: 2017-10-06. Review status: criteria provided, single submitter. Criteria: GeneDx Variant Classification (06012015). Collection method: clinical testing. Allele origin: germline. Affected: yes. Not counted in ClinVar's aggregate classification.
Comment: This variant is denoted BRCA2 c.2471T>G at the cDNA level and p.Leu824Ter (L824X) at the proteinlevel. Using alternate nomenclature, this variant would be defined as BRCA2 2699T>G. The substitution creates anonsense variant, which changes a Leucine to a premature stop codon (TTA>TGA), and is predicted to cause loss ofnormal protein function through either protein truncation or nonsense-mediated mRNA decay. This variant has beenreported as a pathogenic variant in one French family, however, no clinical information was provided (Lecarpentier2012). Based on currently available information, we consider this variant to be pathogenic

Quest Diagnostics Nichols Institute San Juan Capistrano
Classification: Pathogenic. Last evaluated: 2017-05-04. Review status: criteria provided, single submitter. Criteria: Quest Diagnostics criteria. Collection method: clinical testing. Allele origin: germline. Not counted in ClinVar's aggregate classification.

Consortium of Investigators of Modifiers of BRCA1/2 (CIMBA), c/o University of Cambridge
Classification: Pathogenic for Breast-ovarian cancer, familial, susceptibility to, 2. Last evaluated: 2015-10-02. Review status: criteria provided, single submitter. Criteria: CIMBA Mutation Classification guidelines May 2016. Collection method: clinical testing. Allele origin: germline. Not counted in ClinVar's aggregate classification.

Literature cited by the submitters: PubMed 22762150 (cited by Ambry Genetics and Quest Diagnostics Nichols Institute San Juan Capistrano); PubMed 20104584 (cited by Center for Genomic Medicine, Rigshospitalet, Copenhagen University Hospital and Labcorp Genetics (formerly Invitae), Labcorp).